The following is an entry in ClinVar:

NM_004304.5(ALK):c.151A>G (p.Arg51Gly)

Gene: ALK (ALK receptor tyrosine kinase; minus strand). Cytogenetic location: 2p23.1.
Variant type: single nucleotide variant.
Coding change: c.151A>G on transcript NM_004304.5 (MANE Select); coding-DNA position 151, A replaced by G.
Protein change: p.Arg51Gly; replaces arginine 51 with glycine.
Molecular consequence: missense variant.
Genome position (GRCh38, 1-based): chr2:29,920,509, T>C on the plus strand (A>G on the coding strand, the complement: ALK is on the minus strand). VCF-style: chr2-29920509-T-C. GRCh37 (hg19) VCF-style: chr2-30143375-T-C.
Other names: short protein forms R51G.
Identifiers: ClinVar variation 1319122 (VCV001319122.22), dbSNP rs904831964, ClinGen allele CA346590601.

ClinVar aggregate classification (germline): Uncertain significance. Review status: criteria provided, multiple submitters, no conflicts (2 of 4 stars). 3 submissions from 3 submitters: Uncertain significance (3). Last evaluated 2026-04-11.

Conditions:
Hereditary cancer-predisposing syndrome. Also called: Hereditary Cancer Syndrome; Tumor predisposition; Neoplastic Syndromes, Hereditary; Hereditary neoplastic syndrome. Identifiers: Orphanet 140162, MedGen C0027672, MeSH D009386, MONDO:0015356.

Submissions (3):

Ambry Genetics
Classification: Uncertain significance for Hereditary cancer-predisposing syndrome. Last evaluated: 2026-04-11. Review status: criteria provided, single submitter. Criteria: Ambry Variant Classification Scheme 2023. Collection method: clinical testing. Allele origin: germline.
Comment: The p.R51G variant (also known as c.151A>G), located in coding exon 1 of the ALK gene, results from an A to G substitution at nucleotide position 151. The arginine at codon 51 is replaced by glycine, an amino acid with dissimilar properties. This amino acid position is conserved. In addition, this alteration is predicted to be deleterious by in silico analysis. Based on the available evidence, the clinical significance of this variant remains unclear.

CeGaT Center for Human Genetics Tuebingen
Classification: Uncertain significance. Last evaluated: 2024-06-01. Review status: criteria provided, single submitter. Criteria: CeGaT Center For Human Genetics Tuebingen Variant Classification Criteria Version 2. Collection method: clinical testing. Allele origin: germline. Affected: yes. Observed: 1 variant allele.
Comment: ALK: PM2, PP3

Institute for Clinical Genetics, University Hospital TU Dresden, University Hospital TU Dresden
Classification: Uncertain significance. Last evaluated: 2021-11-03. Review status: criteria provided, single submitter. Criteria: ACMG Guidelines, 2015. Collection method: clinical testing. Allele origin: germline.